The following is an entry in ClinVar:

NM_138927.4(SON):c.6386C>T (p.Ser2129Leu)

Gene: SON (SON DNA and RNA binding protein; plus strand). Cytogenetic location: 21q22.11.
Variant type: single nucleotide variant.
Coding change: c.6386C>T on transcript NM_138927.4 (MANE Select); coding-DNA position 6386, C replaced by T.
Protein change: p.Ser2129Leu; replaces serine 2129 with leucine.
Molecular consequence: missense variant. On other transcripts: non-coding transcript variant (1).
Genome position (GRCh38, 1-based): chr21:33,559,294, C>T. VCF-style: chr21-33559294-C-T. GRCh37 (hg19) VCF-style: chr21-34931600-C-T.
Other names: c.470C>T, p.Ser157Leu (NM_001291412.3); c.6386C>T, p.Ser2129Leu (NM_032195.3); short protein forms S157L, S2129L.
Identifiers: ClinVar variation 3252532 (VCV003252532.2), dbSNP rs2517410296.
Genomic context (GRCh38, chr21:33,559,294, plus strand): 5'-GTAAACAGATCGCACAGAGTAAAGAAGATGATGATGTAATAGTGAATAAACCTCATGTTT[C>T]GGATGAAGAGGAAGAAGAACCTCCTTTTTATCATCATCCCTTTAAACTCAGTGAACCCAA-3'
Protein context (NP_620305.3, residues 2119-2139): DDVIVNKPHV[Ser2129Leu]DEEEEEPPFY

ClinVar aggregate classification (germline): Uncertain significance (1 of 4 stars; one submission).

Allele frequency attached by ClinVar (database versions not stated): gnomAD exomes below 0.00001.
gnomAD v4.1: 3 of 1,611,330 alleles (0.00019%); highest among the groups gnomAD compares: East Asian, 0.0022%; no homozygotes.

Submission:

GeneDx
Classification: Uncertain significance. Last evaluated: 2026-06-03. Review status: criteria provided, single submitter. Criteria: GeneDx Variant Classification Process June 2021. Collection method: clinical testing. Allele origin: germline.
Comment: In silico analysis supports that this missense variant has a deleterious effect on protein structure/function; Has not been previously published as pathogenic or benign to our knowledge